The following is an entry in ClinVar:

NM_014629.4(ARHGEF10):c.2488+6G>T

Gene: ARHGEF10 (Rho guanine nucleotide exchange factor 10; plus strand). Cytogenetic location: 8p23.3.
Variant type: single nucleotide variant.
Coding change: c.2488+6G>T on transcript NM_014629.4 (MANE Select); 6 bases into the intron after coding-DNA position 2488, G replaced by T.
Molecular consequence: intron variant.
Genome position (GRCh38, 1-based): chr8:1,923,880, G>T. VCF-style: chr8-1923880-G-T. GRCh37 (hg19) VCF-style: chr8-1872046-G-T.
Other names: c.2371+6G>T (NM_001438092.1, NM_001438093.1); c.2491+6G>T (NM_001438091.1); c.2374+6G>T (NM_001308152.2, NM_001438094.1); c.2488+6G>T (NM_001308153.3).
Identifiers: ClinVar variation 1358303 (VCV001358303.6), dbSNP rs372410162, ClinGen allele CA4600891.

ClinVar aggregate classification (germline): Uncertain significance (1 of 4 stars; one submission).

Allele frequency attached by ClinVar (database versions not stated): ExAC 0.00002; gnomAD exomes 0.00002; TOPMed 0.00002; gnomAD 0.00004 and 0.00007; ESP Exome Variant Server 0.00008; 1000 Genomes Project 30x 0.00016; 1000 Genomes Project 0.00020.
gnomAD v4.1: 20 of 1,613,766 alleles (0.0012%); highest among the groups gnomAD compares: African/African-American, 0.008%; 1 homozygote.

Submission:

Labcorp Genetics (formerly Invitae), Labcorp
Classification: Uncertain significance. Last evaluated: 2024-02-24. Review status: criteria provided, single submitter. Criteria: Invitae Variant Classification Sherloc (09022015). Collection method: clinical testing. Allele origin: germline.
Comment: This sequence change falls in intron 21 of the ARHGEF10 gene. It does not directly change the encoded amino acid sequence of the ARHGEF10 protein. It affects a nucleotide within the consensus splice site. This variant is present in population databases (rs372410162, gnomAD 0.004%). This variant has not been reported in the literature in individuals affected with ARHGEF10-related conditions. ClinVar contains an entry for this variant (Variation ID: 1358303). Variants that disrupt the consensus splice site are a relatively common cause of aberrant splicing (PMID: 17576681, 9536098). Algorithms developed to predict the effect of sequence changes on RNA splicing suggest that this variant is not likely to affect RNA splicing. In summary, the available evidence is currently insufficient to determine the role of this variant in disease. Therefore, it has been classified as a Variant of Uncertain Significance.

Literature cited by the submitters: PubMed 17576681; PubMed 9536098.